The following is an entry in ClinVar:

NM_000179.3(MSH6):c.2865A>G (p.Leu955=)

Gene: MSH6 (mutS homolog 6; plus strand). Cytogenetic location: 2p16.3.
Variant type: single nucleotide variant.
Coding change: c.2865A>G on transcript NM_000179.3 (MANE Select); coding-DNA position 2865, A replaced by G.
Protein change: p.Leu955=; no amino-acid change (leucine 955 retained).
Molecular consequence: synonymous variant.
Genome position (GRCh38, 1-based): chr2:47,800,848, A>G. VCF-style: chr2-47800848-A-G. GRCh37 (hg19) VCF-style: chr2-48027987-A-G.
Other names: p.Leu955=; c.2475A>G, p.Leu825= (NM_001281492.2); c.1959A>G, p.Leu653= (NM_001281493.2, NM_001281494.2).
Identifiers: ClinVar variation 230542 (VCV000230542.18), dbSNP rs758675720, ClinGen allele CA069719.

ClinVar aggregate classification (germline): Benign/Likely benign. Review status: criteria provided, multiple submitters, no conflicts (2 of 4 stars). 4 submissions from 4 submitters: Benign (1); Likely benign (3). Last evaluated 2025-10-05.

Conditions:
Lynch syndrome 5 (LYNCH5). Also called: Colorectal cancer, hereditary nonpolyposis, type 5; Hereditary non-polyposis colorectal cancer, type 5. Identifiers: Orphanet 144, MedGen C1833477, MONDO:0013710, OMIM 614350. Disease mechanism: loss of function.
Hereditary nonpolyposis colorectal neoplasms. Identifiers: MedGen C0009405, MeSH D003123.
Hereditary cancer-predisposing syndrome. Also called: Neoplastic Syndromes, Hereditary; Tumor predisposition; Hereditary Cancer Syndrome; Hereditary neoplastic syndrome. Identifiers: Orphanet 140162, MedGen C0027672, MeSH D009386, MONDO:0015356.

Allele frequency attached by ClinVar (database versions not stated): gnomAD exomes below 0.00001 and 0.00001; ExAC 0.00001.
gnomAD v4.1: 3 of 1,614,120 alleles (0.00019%); highest among the groups gnomAD compares: Non-Finnish European, 0.00017%; no homozygotes.

Submissions (4):

Labcorp Genetics (formerly Invitae), Labcorp
Classification: Likely benign for Hereditary nonpolyposis colorectal neoplasms. Last evaluated: 2025-10-05. Review status: criteria provided, single submitter. Criteria: Invitae Variant Classification Sherloc (09022015). Collection method: clinical testing. Allele origin: germline.

Mayo Clinic Laboratories, Mayo Clinic
Classification: Likely benign. Last evaluated: 2025-08-12. Review status: criteria provided, single submitter. Criteria: ACMG Guidelines, 2015. Collection method: clinical testing. Allele origin: germline. Observed: 1 variant allele.
Comment: BP4, BP7

Myriad Genetics, Inc.
Classification: Benign for Lynch syndrome 5. Last evaluated: 2025-01-03. Review status: criteria provided, single submitter. Criteria: Myriad Autosomal Dominant, Autosomal Recessive and X-Linked Classification Criteria (2023). Collection method: clinical testing. Allele origin: unknown.
Comment: This variant is considered benign. This variant is a silent/synonymous amino acid change and it is not expected to impact splicing.

Ambry Genetics
Classification: Likely benign for Hereditary cancer-predisposing syndrome. Last evaluated: 2015-02-10. Review status: criteria provided, single submitter. Criteria: Ambry Variant Classification Scheme 2023. Collection method: clinical testing. Allele origin: germline.